The following is an entry in ClinVar:

NM_001376.5(DYNC1H1):c.7758C>T (p.Ala2586=)

Gene: DYNC1H1 (dynein cytoplasmic 1 heavy chain 1; plus strand). Cytogenetic location: 14q32.31.
Variant type: single nucleotide variant.
Coding change: c.7758C>T on transcript NM_001376.5 (MANE Select); coding-DNA position 7758, C replaced by T.
Protein change: p.Ala2586=; no amino-acid change (alanine 2586 retained).
Molecular consequence: synonymous variant.
Genome position (GRCh38, 1-based): chr14:102,016,909, C>T. VCF-style: chr14-102016909-C-T. GRCh37 (hg19) VCF-style: chr14-102483246-C-T.
Identifiers: ClinVar variation 210880 (VCV000210880.47), dbSNP rs145487328, ClinGen allele CA206783.

ClinVar aggregate classification (germline): Conflicting classifications of pathogenicity. Review status: criteria provided, conflicting classifications (1 of 4 stars). 7 submissions from 7 submitters: Uncertain significance (1); Benign (2); Likely benign (3). 1 of the submissions does not count toward it. Last evaluated 2026-01-30.

Conditions:
DYNC1H1-related disorder. Also called: DYNC1H1-related condition; DYNC1H1-related disorders. Identifiers: MedGen CN381529.
Inborn genetic diseases. Identifiers: MedGen C0950123, MeSH D030342.
Charcot-Marie-Tooth disease axonal type 2O. Also called: Charcot-Marie-Tooth disease, axonal, type 20; CHARCOT-MARIE-TOOTH NEUROPATHY, AXONAL, TYPE 2O; CHARCOT-MARIE-TOOTH DISEASE, AXONAL, AUTOSOMAL DOMINANT, TYPE 2O; Charcot-Marie-Tooth Neuropathy Type 2O. Identifiers: Orphanet 284232, MedGen C3280220, MONDO:0013644, OMIM 614228.

Allele frequency attached by ClinVar (database versions not stated): gnomAD 0.00010; TOPMed 0.00011; ESP Exome Variant Server 0.00023.
gnomAD v4.1: 282 of 1,614,194 alleles (0.017%); highest among the groups gnomAD compares: Non-Finnish European, 0.015%; no homozygotes.

Submissions (7):

Labcorp Genetics (formerly Invitae), Labcorp
Classification: Benign for Charcot-Marie-Tooth disease axonal type 2O. Last evaluated: 2026-01-30. Review status: criteria provided, single submitter. Criteria: Invitae Variant Classification Sherloc (09022015). Collection method: clinical testing. Allele origin: germline.

Blueprint Genetics
Classification: Likely benign. Last evaluated: 2024-09-30. Review status: criteria provided, single submitter. Criteria: ACMG Guidelines, 2015. Collection method: clinical testing. Allele origin: germline.

CeGaT Center for Human Genetics Tuebingen
Classification: Likely benign. Last evaluated: 2023-08-01. Review status: criteria provided, single submitter. Criteria: CeGaT Center For Human Genetics Tuebingen Variant Classification Criteria Version 2. Collection method: clinical testing. Allele origin: germline. Affected: yes. Observed: 1 variant allele.
Comment: DYNC1H1: BP4, BP7

GeneDx
Classification: Benign. Last evaluated: 2019-09-11. Review status: criteria provided, single submitter. Criteria: GeneDx Variant Classification Process June 2021. Collection method: clinical testing. Allele origin: germline. Affected: yes.

Ambry Genetics
Classification: Likely benign for Inborn genetic diseases. Last evaluated: 2017-04-14. Review status: criteria provided, single submitter. Criteria: Ambry Variant Classification Scheme 2023. Collection method: clinical testing. Allele origin: germline.

Genetic Services Laboratory, University of Chicago
Classification: Uncertain significance. Last evaluated: 2014-08-21. Review status: criteria provided, single submitter. Criteria: ACMG Guidelines, 2015. Collection method: clinical testing. Allele origin: germline.

PreventionGenetics, part of Exact Sciences
Classification: Likely benign for DYNC1H1-related condition. Last evaluated: 2022-09-27. Review status: no assertion criteria provided. Collection method: clinical testing. Allele origin: germline. Not counted in ClinVar's aggregate classification.
Comment: This variant is classified as likely benign based on ACMG/AMP sequence variant interpretation guidelines (Richards et al. 2015 PMID: 25741868, with internal and published modifications).